The following is an entry in ClinVar:

ClinVar aggregate classification (germline): Uncertain significance (1 of 4 stars; one submission).

Submission:

Labcorp Genetics (formerly Invitae), Labcorp
Classification: Uncertain significance. Last evaluated: 2025-07-22. Review status: criteria provided, single submitter. Criteria: Invitae Variant Classification Sherloc (09022015). Collection method: clinical testing. Allele origin: germline.
Comment: This sequence change creates a premature translational stop signal (p.Tyr351*) in the FN1 gene. It is expected to result in an absent or disrupted protein product. However, the current clinical and genetic evidence is not sufficient to establish whether loss-of-function variants in FN1 cause disease. This variant is not present in population databases (gnomAD no frequency). This variant has not been reported in the literature in individuals affected with FN1-related conditions. In summary, the available evidence is currently insufficient to determine the role of this variant in disease. Therefore, it has been classified as a Variant of Uncertain Significance.

NM_212482.4(FN1):c.1053del (p.Thr350_Tyr351insTer)

Genes: FN1 (fibronectin 1; minus strand), LOC126806498 (CDK7 strongly-dependent group 2 enhancer GRCh37_chr2:216288045-216289244; plus strand). Cytogenetic location: 2q35.
Variant type: Deletion.
Coding change: c.1053del on transcript NM_212482.4 (MANE Select); coding-DNA position 1053, one base deleted (C; older notation c.1053delC).
Protein change: p.Thr350_Tyr351insTer.
Molecular consequence: nonsense.
Genome position (GRCh38, 1-based): chr2:215,424,309, G deleted on the plus strand (C on the coding strand, the reverse complement: FN1 is on the minus strand). VCF-style (leftmost placement, unchanged base first): chr2-215424308-CG-C. GRCh37 (hg19) VCF-style: chr2-216289031-CG-C.
Other names: c.1053del, p.Thr350_Tyr351insTer (NM_001306129.2, NM_001306130.2, NM_001306131.2 and 14 more transcripts).
Identifiers: ClinVar variation 4810726 (VCV004810726.1).